The following is an entry in ClinVar:

NM_003200.5(TCF3):c.1014G>A (p.Ser338=)

Gene: TCF3 (transcription factor 3; minus strand). Cytogenetic location: 19p13.3.
Variant type: single nucleotide variant.
Coding change: c.1014G>A on transcript NM_003200.5 (MANE Select); coding-DNA position 1014, G replaced by A.
Protein change: p.Ser338=; no amino-acid change (serine 338 retained).
Molecular consequence: synonymous variant.
Genome position (GRCh38, 1-based): chr19:1,621,133, C>T on the plus strand (G>A on the coding strand, the complement: TCF3 is on the minus strand). VCF-style: chr19-1621133-C-T. GRCh37 (hg19) VCF-style: chr19-1621132-C-T.
Other names: c.1014G>A, p.Ser338= (NM_001136139.4, NM_001351778.2, NM_001351779.2).
Identifiers: ClinVar variation 4776682 (VCV004776682.1).
Genomic context (GRCh38, chr19:1,621,133, plus strand): 5'-CGGTCAGGGGCCGGCCTCTCAGGTCACTTGCCTGGCCACCCCCCATGCCCCACGCCTCAC[C>T]GAGGCCAGTGCTTTGCCGAGGGCATCCCCGGAGCTGCCAGCTGTGGTCCCTCGGGAGCCT-3'
Protein context (NP_003191.1, residues 328-348): SGDALGKALA[Ser338=]IYSPDHSSNN

ClinVar aggregate classification (germline): Uncertain significance (1 of 4 stars; one submission).

Submission:

Labcorp Genetics (formerly Invitae), Labcorp
Classification: Uncertain significance. Last evaluated: 2026-01-27. Review status: criteria provided, single submitter. Criteria: Invitae Variant Classification Sherloc (09022015). Collection method: clinical testing. Allele origin: germline.
Comment: This sequence change affects codon 338 of the TCF3 mRNA. It is a 'silent' change, meaning that it does not change the encoded amino acid sequence of the TCF3 protein. This variant also falls at the last nucleotide of exon 12, which is part of the consensus splice site for this exon. This variant is not present in population databases (gnomAD no frequency). This variant has not been reported in the literature in individuals affected with TCF3-related conditions. Variants that disrupt the consensus splice site are a relatively common cause of aberrant splicing (PMID: 17576681, 9536098). Algorithms developed to predict the effect of sequence changes on RNA splicing suggest that this variant may disrupt the consensus splice site. In summary, the available evidence is currently insufficient to determine the role of this variant in disease. Therefore, it has been classified as a Variant of Uncertain Significance.

Literature cited by the submitters: PubMed 17576681; PubMed 9536098.